The following is an entry in ClinVar:

NM_001103.4(ACTN2):c.442G>C (p.Val148Leu)

Gene: ACTN2 (actinin alpha 2; plus strand). Cytogenetic location: 1q43.
Variant type: single nucleotide variant.
Coding change: c.442G>C on transcript NM_001103.4 (MANE Select); coding-DNA position 442, G replaced by C.
Protein change: p.Val148Leu; replaces valine 148 with leucine.
Molecular consequence: missense variant. On other transcripts: non-coding transcript variant (1).
Genome position (GRCh38, 1-based): chr1:236,720,185, G>C. VCF-style: chr1-236720185-G-C. GRCh37 (hg19) VCF-style: chr1-236883485-G-C.
Other names: c.442G>C, p.Val148Leu (NM_001278343.2); c.-380G>C (NM_001278344.2); c.-505G>C (NM_001412150.1); short protein forms V148L.
Identifiers: ClinVar variation 2940086 (VCV002940086.3), dbSNP rs1378226503, ClinGen allele CA345374212.

ClinVar aggregate classification (germline): Uncertain significance (1 of 4 stars; one submission).

Conditions:
Primary familial hypertrophic cardiomyopathy (HCM). Identifiers: Orphanet 99739, MedGen C0949658, MeSH D024741, MONDO:0024573. Inheritance: Various modes of inheritance.
Dilated cardiomyopathy 1AA (CMD1AA). Also called: Cardiomyopathy, dilated, 1AA, with or without LVNC; CARDIOMYOPATHY, DILATED, 1AA, WITH OR WITHOUT LEFT VENTRICULAR NONCOMPACTION; CARDIOMYOPATHY, FAMILIAL HYPERTROPHIC, 23, WITH OR WITHOUT LEFT VENTRICULAR NONCOMPACTION. Identifiers: Orphanet 154, MedGen C2677338, MONDO:0012808, OMIM 612158.

Allele frequency attached by ClinVar (database versions not stated): TOPMed below 0.00001.

Submission:

Labcorp Genetics (formerly Invitae), Labcorp
Classification: Uncertain significance for Primary familial hypertrophic cardiomyopathy; Dilated cardiomyopathy 1AA. Last evaluated: 2023-06-23. Review status: criteria provided, single submitter. Criteria: Invitae Variant Classification Sherloc (09022015). Collection method: clinical testing. Allele origin: germline.
Comment: In summary, the available evidence is currently insufficient to determine the role of this variant in disease. Therefore, it has been classified as a Variant of Uncertain Significance. Advanced modeling of protein sequence and biophysical properties (such as structural, functional, and spatial information, amino acid conservation, physicochemical variation, residue mobility, and thermodynamic stability) performed at Invitae indicates that this missense variant is not expected to disrupt ACTN2 protein function. This variant has not been reported in the literature in individuals affected with ACTN2-related conditions. This variant is not present in population databases (gnomAD no frequency). This sequence change replaces valine, which is neutral and non-polar, with leucine, which is neutral and non-polar, at codon 148 of the ACTN2 protein (p.Val148Leu).